The following is an entry in ClinVar:

ClinVar aggregate classification (germline): Uncertain significance (1 of 4 stars; one submission).

Conditions:
MN1-related disorder. Also called: MN1-related condition.

Submission:

PreventionGenetics, part of Exact Sciences
Classification: Uncertain significance for MN1-related condition. Last evaluated: 2025-08-02. Review status: criteria provided, single submitter. Criteria: ACMG Guidelines, 2015. Collection method: clinical testing. Allele origin: germline.
Comment: The MN1 c.172C>T variant is predicted to result in the amino acid substitution p.Pro58Ser. To our knowledge, this variant has not been reported in the literature or in a large population database (gnomAD), indicating this variant is rare. At this time, the clinical significance of this variant is uncertain due to the absence of conclusive functional and genetic evidence.

NM_002430.3(MN1):c.172C>T (p.Pro58Ser)

Gene: MN1 (MN1 proto-oncogene, transcriptional regulator; minus strand). Cytogenetic location: 22q12.1.
Variant type: single nucleotide variant.
Coding change: c.172C>T on transcript NM_002430.3 (MANE Select); coding-DNA position 172, C replaced by T.
Protein change: p.Pro58Ser; replaces proline 58 with serine.
Molecular consequence: missense variant.
Genome position (GRCh38, 1-based): chr22:27,800,372, G>A on the plus strand (C>T on the coding strand, the complement: MN1 is on the minus strand). VCF-style: chr22-27800372-G-A. GRCh37 (hg19) VCF-style: chr22-28196360-G-A.
Other names: short protein forms P58S.
Identifiers: ClinVar variation 4997480 (VCV004997480.1).